The following is an entry in ClinVar:

NM_138694.4(PKHD1):c.10014del (p.Lys3338_Val3339insTer)

Gene: PKHD1 (PKHD1 ciliary IPT domain containing fibrocystin/polyductin; minus strand). Cytogenetic location: 6p12.3.
Variant type: Deletion.
Coding change: c.10014del on transcript NM_138694.4 (MANE Select); coding-DNA position 10014, one base deleted (A; older notation c.10014delA).
Protein change: p.Lys3338_Val3339insTer.
Molecular consequence: frameshift variant.
Genome position (GRCh38, 1-based): chr6:51,744,527, T deleted on the plus strand (A on the coding strand, the reverse complement: PKHD1 is on the minus strand); the first of 4 consecutive T bases (chr6:51,744,527-51,744,530); deleting any one gives the same sequence. VCF-style (leftmost placement, unchanged base first): chr6-51744526-CT-C. GRCh37 (hg19) VCF-style: chr6-51609324-CT-C.
Other names: c.10014del, p.Lys3338_Val3339insTer (NM_170724.3).
Identifiers: ClinVar variation 4816533 (VCV004816533.1).

ClinVar aggregate classification (germline): Likely pathogenic (1 of 4 stars; one submission).

Conditions:
Autosomal recessive polycystic kidney disease (ARPKD). Also called: AR polycystic kidney disease. Identifiers: Orphanet 731, Orphanet 8378, MedGen C0085548, MeSH D017044, MONDO:0009889.

Submission:

Natera, Inc.
Classification: Likely pathogenic for Autosomal recessive polycystic kidney disease. Last evaluated: 2024-11-22. Review status: criteria provided, single submitter. Criteria: Natera Variant Classification Schema (03/2026). Collection method: clinical testing. Allele origin: germline.
Comment: The c.10014del variant in PKHD1 is a frameshift variant predicted to shift the reading frame and introduce a stop codon. This variant is expected to result in nonsense mediated decay, truncation, or a dysfunctional protein product. This variant is rare in the general population with a frequency below the threshold expected for the associated phenotype(s). Given the available evidence, this variant is classified as Likely Pathogenic.